The following is an entry in ClinVar:

NM_001105206.3(LAMA4):c.4981+1G>A

Gene: LAMA4 (laminin subunit alpha 4; minus strand). Cytogenetic location: 6q21.
Variant type: single nucleotide variant.
Coding change: c.4981+1G>A on transcript NM_001105206.3 (MANE Select); the canonical splice donor site of the intron after coding-DNA position 4981, G replaced by A.
Molecular consequence: splice donor variant.
Genome position (GRCh38, 1-based): chr6:112,117,738, C>T on the plus strand (G>A on the coding strand, the complement: LAMA4 is on the minus strand). VCF-style: chr6-112117738-C-T. GRCh37 (hg19) VCF-style: chr6-112438941-C-T.
Other names: c.4960+1G>A (NM_002290.5, NM_001105207.3).
Identifiers: ClinVar variation 1009349 (VCV001009349.7), dbSNP rs1778105106, ClinGen allele CA365366075.

ClinVar aggregate classification (germline): Uncertain significance (1 of 4 stars; one submission).

Conditions:
Dilated cardiomyopathy 1JJ (CMD1JJ). Identifiers: Orphanet 154, MedGen C3808935, MONDO:0014095, OMIM 615235.

Submission:

Labcorp Genetics (formerly Invitae), Labcorp
Classification: Uncertain significance for Dilated cardiomyopathy 1JJ. Last evaluated: 2020-12-06. Review status: criteria provided, single submitter. Criteria: Invitae Variant Classification Sherloc (09022015). Collection method: clinical testing. Allele origin: germline.
Comment: In summary, the available evidence is currently insufficient to determine the role of this variant in disease. Therefore, it has been classified as a Variant of Uncertain Significance. The current clinical and genetic evidence is not sufficient to establish whether loss-of-function variants in LAMA4 cause disease. Algorithms developed to predict the effect of sequence changes on RNA splicing suggest that this variant may disrupt the consensus splice site, but this prediction has not been confirmed by published transcriptional studies. This variant has not been reported in the literature in individuals with LAMA4-related conditions. This variant is not present in population databases (ExAC no frequency). This sequence change affects a donor splice site in intron 35 of the LAMA4 gene. It is expected to disrupt RNA splicing and likely results in an absent or disrupted protein product.